The following is an entry in ClinVar:

NM_000112.4(SLC26A2):c.725G>T (p.Gly242Val)

Gene: SLC26A2 (solute carrier family 26 member 2; plus strand). Cytogenetic location: 5q32.
Variant type: single nucleotide variant.
Coding change: c.725G>T on transcript NM_000112.4 (MANE Select); coding-DNA position 725, G replaced by T.
Protein change: p.Gly242Val; replaces glycine 242 with valine.
Molecular consequence: missense variant.
Genome position (GRCh38, 1-based): chr5:149,980,318, G>T. VCF-style: chr5-149980318-G-T. GRCh37 (hg19) VCF-style: chr5-149359881-G-T.
Other names: short protein forms G242V.
Identifiers: ClinVar variation 2945503 (VCV002945503.3), dbSNP rs2480774094, ClinGen allele CA361706130.
Genomic context (GRCh38, chr5:149,980,318, plus strand): 5'-ATTTATATTTAACACTTCTATATCCTTCCTTCCAGGTAGCGATGGGCTTCTTTCAAGTGG[G>T]TTTTGTTTCTGTCTACCTCTCAGATGCCTTGCTGAGTGGATTTGTCACTGGTGCCTCCTT-3'
Protein context (NP_000103.2, residues 232-252): YQVAMGFFQV[Gly242Val]FVSVYLSDAL

ClinVar aggregate classification (germline): Conflicting classifications of pathogenicity. Review status: criteria provided, conflicting classifications (1 of 4 stars). 2 submissions from 2 submitters: Pathogenic (1); Uncertain significance (1). Last evaluated 2026-01-05.

Conditions:
Diastrophic dysplasia (DTD). Also called: Diastrophic dwarfism. Identifiers: Orphanet 628, MedGen C0220726, MONDO:0009107, OMIM 222600.
Achondrogenesis, type IB (ACG1B). Also called: Achondrogenesis Type 1B. Identifiers: Orphanet 932, Orphanet 93298, MedGen C0265274, MONDO:0010966, OMIM 600972.
Multiple epiphyseal dysplasia type 4 (EDM4). Also called: Multiple Epiphyseal Dysplasia, Recessive; MULTIPLE EPIPHYSEAL DYSPLASIA WITH BILAYERED PATELLAE; MULTIPLE EPIPHYSEAL DYSPLASIA WITH CLUBFOOT; MULTIPLE EPIPHYSEAL DYSPLASIA, AUTOSOMAL RECESSIVE; SLC26A2-Related Multiple Epiphyseal Dysplasia. Identifiers: Orphanet 93307, MedGen C1847593, MONDO:0009189, OMIM 226900.
Atelosteogenesis type II (AO2). Also called: NEONATAL OSSEOUS DYSPLASIA I; Neonatal osseous dysplasia 1; SLC26A2-Related Atelosteogenesis. Identifiers: Orphanet 56304, MedGen C1850554, MONDO:0009727, OMIM 256050.

Submissions (2):

Stanford Starfish Project, Stanford University
Classification: Pathogenic for Diastrophic dysplasia. Last evaluated: 2026-01-05. Review status: criteria provided, single submitter. Criteria: ACMG Guidelines, 2015. Collection method: provider interpretation. Allele origin: paternal. Inheritance: Autosomal recessive inheritance. Affected: yes. Observed: 1 homozygote.
Comment: This sequence change replaces glycine, which is neutral and non-polar, with valine, which is neutral and non-polar, at codon 242 of the SLC26A2 protein (p.Gly242Val). This variant is not present in population databases (gnomAD no frequency). See Observation for more details. Homozygous for SLC26A2 c.725G>T p.(Gly242Val).

Labcorp Genetics (formerly Invitae), Labcorp
Classification: Uncertain significance for Atelosteogenesis type II; Multiple epiphyseal dysplasia type 4; Achondrogenesis, type IB; Diastrophic dysplasia. Last evaluated: 2023-11-10. Review status: criteria provided, single submitter. Criteria: Invitae Variant Classification Sherloc (09022015). Collection method: clinical testing. Allele origin: germline.
Comment: This sequence change replaces glycine, which is neutral and non-polar, with valine, which is neutral and non-polar, at codon 242 of the SLC26A2 protein (p.Gly242Val). This variant is not present in population databases (gnomAD no frequency). This variant has not been reported in the literature in individuals affected with SLC26A2-related conditions. Advanced modeling of protein sequence and biophysical properties (such as structural, functional, and spatial information, amino acid conservation, physicochemical variation, residue mobility, and thermodynamic stability) performed at Invitae indicates that this missense variant is expected to disrupt SLC26A2 protein function with a positive predictive value of 80%. In summary, the available evidence is currently insufficient to determine the role of this variant in disease. Therefore, it has been classified as a Variant of Uncertain Significance.